The following is an entry in ClinVar:

NM_015450.3(POT1):c.71A>T (p.Asn24Ile)

Gene: POT1 (protection of telomeres 1; minus strand). Cytogenetic location: 7q31.33.
Variant type: single nucleotide variant.
Coding change: c.71A>T on transcript NM_015450.3 (MANE Select); coding-DNA position 71, A replaced by T.
Protein change: p.Asn24Ile; replaces asparagine 24 with isoleucine.
Molecular consequence: missense variant. On other transcripts: 5 prime UTR variant (1), non-coding transcript variant (3).
Genome position (GRCh38, 1-based): chr7:124,892,319, T>A on the plus strand (A>T on the coding strand, the complement: POT1 is on the minus strand). VCF-style: chr7-124892319-T-A. GRCh37 (hg19) VCF-style: chr7-124532373-T-A.
Other names: c.-192A>T (NM_001042594.2); short protein forms N24I.
Identifiers: ClinVar variation 3936302 (VCV003936302.1).

ClinVar aggregate classification (germline): Uncertain significance (1 of 4 stars; one submission).

Conditions:
Hereditary cancer-predisposing syndrome. Also called: Tumor predisposition; Hereditary neoplastic syndrome; Hereditary Cancer Syndrome; Neoplastic Syndromes, Hereditary. Identifiers: Orphanet 140162, MedGen C0027672, MeSH D009386, MONDO:0015356.

Submission:

Ambry Genetics
Classification: Uncertain significance for Hereditary cancer-predisposing syndrome. Last evaluated: 2025-05-24. Review status: criteria provided, single submitter. Criteria: Ambry Variant Classification Scheme 2023. Collection method: clinical testing. Allele origin: germline.
Comment: The p.N24I variant (also known as c.71A>T), located in coding exon 2 of the POT1 gene, results from an A to T substitution at nucleotide position 71. The asparagine at codon 24 is replaced by isoleucine, an amino acid with dissimilar properties. This amino acid position is conserved. In addition, the in silico prediction for this alteration is inconclusive. Based on the available evidence, the clinical significance of this variant remains unclear.